The following is an entry in ClinVar:

ClinVar aggregate classification (germline): Uncertain significance (1 of 4 stars; one submission).

Submission:

Labcorp Genetics (formerly Invitae), Labcorp
Classification: Uncertain significance. Last evaluated: 2022-08-10. Review status: criteria provided, single submitter. Criteria: Invitae Variant Classification Sherloc (09022015). Collection method: clinical testing. Allele origin: germline.
Comment: In summary, the available evidence is currently insufficient to determine the role of this variant in disease. Therefore, it has been classified as a Variant of Uncertain Significance. Variants that disrupt the consensus splice site are a relatively common cause of aberrant splicing (PMID: 17576681, 9536098). Algorithms developed to predict the effect of sequence changes on RNA splicing suggest that this variant may disrupt the consensus splice site. ClinVar contains an entry for this variant (Variation ID: 1436246). This variant has not been reported in the literature in individuals affected with OTOGL-related conditions. This variant is not present in population databases (gnomAD no frequency). This sequence change falls in intron 2 of the OTOGL gene. It does not directly change the encoded amino acid sequence of the OTOGL protein. It affects a nucleotide within the consensus splice site.

Literature cited by the submitters: PubMed 17576681; PubMed 9536098.

NM_001378609.3(OTOGL):c.119+6T>C

Gene: OTOGL (otogelin like; plus strand). Cytogenetic location: 12q21.31.
Variant type: single nucleotide variant.
Coding change: c.119+6T>C on transcript NM_001378609.3 (MANE Select); 6 bases into the intron after coding-DNA position 119, T replaced by C.
Molecular consequence: intron variant.
Genome position (GRCh38, 1-based): chr12:80,210,892, T>C. VCF-style: chr12-80210892-T-C. GRCh37 (hg19) VCF-style: chr12-80604672-T-C.
Other names: c.119+6T>C (NM_001368062.3, NM_001378610.3, NM_173591.7).
Identifiers: ClinVar variation 1436246 (VCV001436246.6), dbSNP rs2137310336, ClinGen allele CA2573149071.